The following is an entry in ClinVar:

ClinVar aggregate classification (germline): Pathogenic (1 of 4 stars; one submission).

Conditions:
DNA ligase IV deficiency. Identifiers: Orphanet 99812, MedGen C1847827, MONDO:0011686, OMIM 606593.

Submission:

Labcorp Genetics (formerly Invitae), Labcorp
Classification: Pathogenic for DNA ligase IV deficiency. Last evaluated: 2023-06-08. Review status: criteria provided, single submitter. Criteria: Invitae Variant Classification Sherloc (09022015). Collection method: clinical testing. Allele origin: germline.
Comment: For these reasons, this variant has been classified as Pathogenic. This variant disrupts a region of the LIG4 protein in which other variant(s) (p.Gln904*) have been determined to be pathogenic (PMID: 34630384). This suggests that this is a clinically significant region of the protein, and that variants that disrupt it are likely to be disease-causing. ClinVar contains an entry for this variant (Variation ID: 2134586). This variant has not been reported in the literature in individuals affected with LIG4-related conditions. This variant is present in population databases (no rsID available, gnomAD 0.007%). This sequence change creates a premature translational stop signal (p.Phe886Serfs*5) in the LIG4 gene. While this is not anticipated to result in nonsense mediated decay, it is expected to disrupt the last 26 amino acid(s) of the LIG4 protein.

Literature cited by the submitters: PubMed 34630384.

NM_206937.2(LIG4):c.2653_2654dup (p.Phe886fs)

Gene: LIG4 (DNA ligase 4; minus strand). Cytogenetic location: 13q33.3.
Variant type: Duplication.
Coding change: c.2653_2654dup on transcript NM_206937.2 (MANE Select); coding-DNA positions 2653 to 2654, 2 bases duplicated (AA; older notation c.2653_2654dupAA).
Protein change: p.Phe886fs; shifts the reading frame from phenylalanine 886.
Molecular consequence: frameshift variant.
Genome position (GRCh38, 1-based): chr13:108,208,615-108,208,616, TT duplicated on the plus strand (AA on the coding strand, the reverse complement: LIG4 is on the minus strand); duplicating any 2 consecutive bases within chr13:108,208,615-108,208,617 gives the same sequence; the c. name uses the placement nearest the transcript's 3' end. VCF-style (leftmost placement, unchanged base first): chr13-108208614-C-CTT. GRCh37 (hg19) VCF-style: chr13-108860962-C-CTT.
Other names: c.2653_2654dup, p.Phe886fs (NM_001098268.2, NM_001352598.2, NM_001352599.2 and 6 more transcripts); c.2452_2453dup, p.Phe819fs (NM_001330595.2); c.2689_2690dup, p.Phe898fs (NM_001352604.2); short protein forms F819fs, F886fs, F898fs.
Identifiers: ClinVar variation 2134586 (VCV002134586.4), dbSNP rs1566358822, ClinGen allele CA612360477.